The following is an entry in ClinVar:

ClinVar aggregate classification (germline): Uncertain significance. Review status: criteria provided, multiple submitters, no conflicts (2 of 4 stars). 4 submissions from 4 submitters: Uncertain significance (3). 1 of the submissions does not count toward it. Last evaluated 2025-11-22.

Conditions:
PKD2-related disorder. Also called: PKD2-related condition.
Autosomal dominant polycystic kidney disease. Identifiers: Orphanet 730, MedGen C0085413, MONDO:0004691.
Polycystic kidney disease 2 (PKD2). Also called: POLYCYSTIC KIDNEY DISEASE 2 WITH OR WITHOUT POLYCYSTIC LIVER DISEASE; Polycystic Kidney Disease 2, Autosomal Dominant; POLYCYSTIC KIDNEY DISEASE, ADULT, TYPE II. Identifiers: MedGen C2751306, MONDO:0013131, OMIM 613095.
Inborn genetic diseases. Identifiers: MedGen C0950123, MeSH D030342.

Allele frequency attached by ClinVar (database versions not stated): gnomAD exomes below 0.00001; gnomAD 0.00003; TOPMed 0.00006.
gnomAD v4.1: 9 of 1,167,762 alleles (0.00077%); highest among the groups gnomAD compares: Admixed American, 0.032%; no homozygotes.

Submissions (4):

Labcorp Genetics (formerly Invitae), Labcorp
Classification: Uncertain significance for Autosomal dominant polycystic kidney disease. Last evaluated: 2025-11-22. Review status: criteria provided, single submitter. Criteria: Invitae Variant Classification Sherloc (09022015). Collection method: clinical testing. Allele origin: germline.
Comment: This sequence change replaces arginine, which is basic and polar, with histidine, which is basic and polar, at codon 22 of the PKD2 protein (p.Arg22His). The frequency data for this variant in the population databases is considered unreliable, as metrics indicate poor data quality at this position in the gnomAD database. This variant has not been reported in the literature in individuals affected with PKD2-related conditions. ClinVar contains an entry for this variant (Variation ID: 2047318). An algorithm developed to predict the effect of missense changes on protein structure and function (PolyPhen-2) suggests that this variant is likely to be tolerated. In summary, the available evidence is currently insufficient to determine the role of this variant in disease. Therefore, it has been classified as a Variant of Uncertain Significance.

Ambry Genetics
Classification: Uncertain significance for Inborn genetic diseases. Last evaluated: 2025-03-06. Review status: criteria provided, single submitter. Criteria: Ambry Variant Classification Scheme 2023. Collection method: clinical testing. Allele origin: germline.

Fulgent Genetics
Classification: Uncertain significance for Polycystic kidney disease 2. Last evaluated: 2024-03-04. Review status: criteria provided, single submitter. Criteria: ACMG Guidelines, 2015. Collection method: clinical testing. Allele origin: germline.

PreventionGenetics, part of Exact Sciences
Classification: Uncertain significance for PKD2-related condition. Last evaluated: 2024-05-30. Review status: no assertion criteria provided. Collection method: clinical testing. Allele origin: germline. Not counted in ClinVar's aggregate classification.
Comment: The PKD2 c.65G>A variant is predicted to result in the amino acid substitution p.Arg22His. To our knowledge, this variant has not been reported in the literature. This variant is reported in 0.12% of alleles in individuals of Latino descent in gnomAD. Although we suspect that this variant may be benign, at this time, the clinical significance of this variant is uncertain due to the absence of conclusive functional and genetic evidence.

NM_000297.4(PKD2):c.65G>A (p.Arg22His)

Genes: PKD2 (polycystin 2, transient receptor potential cation channel; plus strand), LOC129992813 (ATAC-STARR-seq lymphoblastoid silent region 15559; plus strand). Cytogenetic location: 4q22.1.
Variant type: single nucleotide variant.
Coding change: c.65G>A on transcript NM_000297.4 (MANE Select); coding-DNA position 65, G replaced by A.
Protein change: p.Arg22His; replaces arginine 22 with histidine.
Molecular consequence: missense variant. On other transcripts: non-coding transcript variant (1).
Genome position (GRCh38, 1-based): chr4:88,007,798, G>A. VCF-style: chr4-88007798-G-A. GRCh37 (hg19) VCF-style: chr4-88928950-G-A.
Other names: c.65G>A (NM_000297.3); short protein forms R22H.
Identifiers: ClinVar variation 2047318 (VCV002047318.7), dbSNP rs1450630438, ClinGen allele CA357624997.